The following is an entry in ClinVar:

NM_198578.4(LRRK2):c.4598T>C (p.Ile1533Thr)

Gene: LRRK2 (leucine rich repeat kinase 2; plus strand). Cytogenetic location: 12q12.
Variant type: single nucleotide variant.
Coding change: c.4598T>C on transcript NM_198578.4 (MANE Select); coding-DNA position 4598, T replaced by C.
Protein change: p.Ile1533Thr; replaces isoleucine 1533 with threonine.
Molecular consequence: missense variant.
Genome position (GRCh38, 1-based): chr12:40,314,033, T>C. VCF-style: chr12-40314033-T-C. GRCh37 (hg19) VCF-style: chr12-40707835-T-C.
Other names: short protein forms I1533T.
Identifiers: ClinVar variation 2587263 (VCV002587263.2), dbSNP rs1484756376, ClinGen allele CA384418869.
Genomic context (GRCh38, chr12:40,314,033, plus strand): 5'-TCCGAGATCAGCTTGTTGTTGGACAGCTGATTCCAGACTGCTATGTAGAACTTGAAAAAA[T>C]CATTTTATCGGAGCGTAAAAATGTGCCAATTGAATTTCCCGTAATTGACCGGAAACGATT-3'
Protein context (NP_940980.4, residues 1523-1543): IPDCYVELEK[Ile1533Thr]ILSERKNVPI

ClinVar aggregate classification (germline): Uncertain significance (1 of 4 stars; one submission).

Conditions:
Inborn genetic diseases. Identifiers: MedGen C0950123, MeSH D030342.

Submission:

Ambry Genetics
Classification: Uncertain significance for Inborn genetic diseases. Last evaluated: 2023-07-16. Review status: criteria provided, single submitter. Criteria: Ambry Variant Classification Scheme 2023. Collection method: clinical testing. Allele origin: germline.
Comment: The p.I1533T variant (also known as c.4598T>C), located in coding exon 32 of the LRRK2 gene, results from a T to C substitution at nucleotide position 4598. The isoleucine at codon 1533 is replaced by threonine, an amino acid with similar properties. This amino acid position is conserved. In addition, this alteration is predicted to be tolerated by in silico analysis. Since supporting evidence is limited at this time, the clinical significance of this alteration remains unclear.